The following is an entry in ClinVar:

ClinVar aggregate classification (germline): Uncertain significance (1 of 4 stars; one submission).

Conditions:
Cardiovascular phenotype. Identifiers: MedGen CN230736.

gnomAD v4.1: 1 of 1,614,096 alleles (0.000062%); highest among the groups gnomAD compares: Non-Finnish European, 0.000085%; no homozygotes.

Submission:

Ambry Genetics
Classification: Uncertain significance for Cardiovascular phenotype. Last evaluated: 2025-12-19. Review status: criteria provided, single submitter. Criteria: Ambry Variant Classification Scheme 2023. Collection method: clinical testing. Allele origin: germline.
Comment: The p.S252C variant (also known as c.754A>T), located in coding exon 6 of the TBX5 gene, results from an A to T substitution at nucleotide position 754. The serine at codon 252 is replaced by cysteine, an amino acid with dissimilar properties. This amino acid position is conserved. In addition, the in silico prediction for this alteration is inconclusive. Based on the available evidence, the clinical significance of this variant remains unclear.

NM_181486.4(TBX5):c.754A>T (p.Ser252Cys)

Gene: TBX5 (T-box transcription factor 5; minus strand). Cytogenetic location: 12q24.21.
Variant type: single nucleotide variant.
Coding change: c.754A>T on transcript NM_181486.4 (MANE Select); coding-DNA position 754, A replaced by T.
Protein change: p.Ser252Cys; replaces serine 252 with cysteine.
Molecular consequence: missense variant.
Genome position (GRCh38, 1-based): chr12:114,385,477, T>A on the plus strand (A>T on the coding strand, the complement: TBX5 is on the minus strand). VCF-style: chr12-114385477-T-A. GRCh37 (hg19) VCF-style: chr12-114823282-T-A.
Other names: c.754A>T, p.Ser252Cys (NM_000192.3); c.604A>T, p.Ser202Cys (NM_080717.4); short protein forms S202C, S252C.
Identifiers: ClinVar variation 4841586 (VCV004841586.1).